The following is an entry in ClinVar:

NM_000551.4(VHL):c.162G>A (p.Met54Ile)

Gene: VHL (von Hippel-Lindau tumor suppressor; plus strand). Cytogenetic location: 3p25.3.
Variant type: single nucleotide variant.
Coding change: c.162G>A on transcript NM_000551.4 (MANE Select); coding-DNA position 162, G replaced by A.
Protein change: p.Met54Ile; replaces methionine 54 with isoleucine.
Molecular consequence: missense variant. On other transcripts: non-coding transcript variant (1).
Genome position (GRCh38, 1-based): chr3:10,142,009, G>A. VCF-style: chr3-10142009-G-A. GRCh37 (hg19) VCF-style: chr3-10183693-G-A.
Other names: c.162G>A, p.Met54Ile (NM_001354723.2, NM_198156.3); short protein forms M54I.
Identifiers: ClinVar variation 2949244 (VCV002949244.3), dbSNP rs2125124863, ClinGen allele CA351748478.

ClinVar aggregate classification (germline): Likely pathogenic (1 of 4 stars; one submission).

Conditions:
Von Hippel-Lindau syndrome (VHLS). Also called: von Hippel–Lindau syndrome; VHL syndrome; Von Hippel-Lindau. Identifiers: Orphanet 892, MedGen C0019562, MONDO:0008667, OMIM 193300. Disease mechanism: loss of function.
Chuvash polycythemia. Also called: POLYCYTHEMIA, VHL-DEPENDENT. Identifiers: Orphanet 238557, MedGen C1837915, MONDO:0009892, OMIM 263400.

Submission:

Labcorp Genetics (formerly Invitae), Labcorp
Classification: Likely pathogenic for Von Hippel-Lindau syndrome; Chuvash polycythemia. Last evaluated: 2023-08-18. Review status: criteria provided, single submitter. Criteria: Invitae Variant Classification Sherloc (09022015). Collection method: clinical testing. Allele origin: germline.
Comment: In summary, the currently available evidence indicates that the variant is pathogenic, but additional data are needed to prove that conclusively. Therefore, this variant has been classified as Likely Pathogenic. Experimental studies using patient's cells have shown that disruption of Met54 (p.Met54Ile) affects VHLp19 expression, but does not affect VHLp30 expression (PMID: 26224408). Advanced modeling of protein sequence and biophysical properties (such as structural, functional, and spatial information, amino acid conservation, physicochemical variation, residue mobility, and thermodynamic stability) has been performed at Invitae for this missense variant, however the output from this modeling did not meet the statistical confidence thresholds required to predict the impact of this variant on VHL protein function. Disruption of the initiator Met54 codon (p.Met54Ile) has been observed to be homozygous in individuals of Moroccan origin who were affected with erythrocytosis and pulmonary arterial hypertension, and reported to segregate with erythrocytosis in a family (PMID: 26224408, 27578599). However, individuals observed to be heterozygous did not present von Hippel-Lindau (VHL) associated clinical features (PMID: 26224408), suggesting that its association with VHL is currently unclear. This variant is not present in population databases (gnomAD no frequency). This sequence change affects the initiator methionine of the VHL mRNA at codon 54 (Met54), which is responsible for translation initiation of the VHLp19 functional isoform. However, the initiator methionine at codon 1 (Met1) responsible for translation initiation of the VHLp30 functional isoform is preserved.

Literature cited by the submitters: PubMed 26224408; PubMed 27578599.